The following is an entry in ClinVar:

ClinVar aggregate classification (germline): Uncertain significance. Review status: criteria provided, multiple submitters, no conflicts (2 of 4 stars). 2 submissions from 2 submitters: Uncertain significance (2). Last evaluated 2024-08-31.

gnomAD v4.1: 6 of 1,613,550 alleles (0.00037%); highest among the groups gnomAD compares: Admixed American, 0.0017%; no homozygotes.

Submissions (2):

Labcorp Genetics (formerly Invitae), Labcorp
Classification: Uncertain significance. Last evaluated: 2024-08-31. Review status: criteria provided, single submitter. Criteria: Invitae Variant Classification Sherloc (09022015). Collection method: clinical testing. Allele origin: germline.
Comment: This sequence change falls in intron 18 of the TTC37 gene. It does not directly change the encoded amino acid sequence of the TTC37 protein. It affects a nucleotide within the consensus splice site. This variant is present in population databases (rs765293509, gnomAD 0.003%). This variant has not been reported in the literature in individuals affected with TTC37-related conditions. ClinVar contains an entry for this variant (Variation ID: 593260). Variants that disrupt the consensus splice site are a relatively common cause of aberrant splicing (PMID: 17576681, 9536098). Algorithms developed to predict the effect of sequence changes on RNA splicing suggest that this variant is not likely to affect RNA splicing. In summary, the available evidence is currently insufficient to determine the role of this variant in disease. Therefore, it has been classified as a Variant of Uncertain Significance.

Eurofins Ntd Llc (ga)
Classification: Uncertain significance. Last evaluated: 2017-07-26. Review status: criteria provided, single submitter. Criteria: EGL Classification Definitions 2015. Collection method: clinical testing. Allele origin: germline. Observed: 1 variant allele, 1 heterozygote.

Literature cited by the submitters: PubMed 17576681 (cited by Labcorp Genetics (formerly Invitae), Labcorp); PubMed 9536098 (cited by Labcorp Genetics (formerly Invitae), Labcorp).

NM_014639.4(SKIC3):c.1757+6G>A

Gene: SKIC3 (SKI3 subunit of superkiller complex; minus strand). Cytogenetic location: 5q15.
Variant type: single nucleotide variant.
Coding change: c.1757+6G>A on transcript NM_014639.4 (MANE Select); 6 bases into the intron after coding-DNA position 1757, G replaced by A.
Molecular consequence: intron variant.
Genome position (GRCh38, 1-based): chr5:95,523,196, C>T on the plus strand (G>A on the coding strand, the complement: SKIC3 is on the minus strand). VCF-style: chr5-95523196-C-T. GRCh37 (hg19) VCF-style: chr5-94858900-C-T.
Identifiers: ClinVar variation 593260 (VCV000593260.9), dbSNP rs765293509, ClinGen allele CA3347256.